The following is an entry in ClinVar:

NM_014241.4(HACD1):c.176G>C (p.Arg59Pro)

Genes: HACD1 (3-hydroxyacyl-CoA dehydratase 1; minus strand), LOC130003454 (ATAC-STARR-seq lymphoblastoid silent region 2183; plus strand). Cytogenetic location: 10p12.33.
Variant type: single nucleotide variant.
Coding change: c.176G>C on transcript NM_014241.4 (MANE Select); coding-DNA position 176, G replaced by C.
Protein change: p.Arg59Pro; replaces arginine 59 with proline.
Molecular consequence: missense variant.
Genome position (GRCh38, 1-based): chr10:17,617,164, C>G on the plus strand (G>C on the coding strand, the complement: HACD1 is on the minus strand). VCF-style: chr10-17617164-C-G. GRCh37 (hg19) VCF-style: chr10-17659163-C-G.
Other names: short protein forms R59P.
Identifiers: ClinVar variation 1496069 (VCV001496069.8), dbSNP rs1554818228, ClinGen allele CA376207875.

ClinVar aggregate classification (germline): Uncertain significance (1 of 4 stars; one submission).

Allele frequency attached by ClinVar (database versions not stated): TOPMed 0.00001; gnomAD exomes 0.00001.
gnomAD v4.1: 40 of 1,505,430 alleles (0.0027%); highest among the groups gnomAD compares: Non-Finnish European, 0.0034%; no homozygotes.

Submission:

Labcorp Genetics (formerly Invitae), Labcorp
Classification: Uncertain significance. Last evaluated: 2021-07-26. Review status: criteria provided, single submitter. Criteria: Invitae Variant Classification Sherloc (09022015). Collection method: clinical testing. Allele origin: germline.
Comment: In summary, the available evidence is currently insufficient to determine the role of this variant in disease. Therefore, it has been classified as a Variant of Uncertain Significance. Algorithms developed to predict the effect of missense changes on protein structure and function are either unavailable or do not agree on the potential impact of this missense change (SIFT: "Deleterious"; PolyPhen-2: "Benign"; Align-GVGD: "Class C0"). This variant has not been reported in the literature in individuals affected with HACD1-related conditions. The frequency data for this variant in the population databases is considered unreliable, as metrics indicate insufficient coverage at this position in the ExAC database. This sequence change replaces arginine with proline at codon 59 of the HACD1 protein (p.Arg59Pro). The arginine residue is weakly conserved and there is a moderate physicochemical difference between arginine and proline.